The following is an entry in ClinVar:

NM_000719.7(CACNA1C):c.537C>T (p.Ile179=)

Gene: CACNA1C (calcium voltage-gated channel subunit alpha1 C; plus strand). Cytogenetic location: 12p13.33.
Variant type: single nucleotide variant.
Coding change: c.537C>T on transcript NM_000719.7 (MANE Select); coding-DNA position 537, C replaced by T.
Protein change: p.Ile179=; no amino-acid change (isoleucine 179 retained).
Molecular consequence: synonymous variant.
Genome position (GRCh38, 1-based): chr12:2,449,035, C>T. VCF-style: chr12-2449035-C-T. GRCh37 (hg19) VCF-style: chr12-2558201-C-T.
Other names: c.537C>T, p.Ile179= (NM_001129827.2, NM_001129829.2, NM_001129830.3 and 19 more transcripts).
Identifiers: ClinVar variation 308128 (VCV000308128.20), dbSNP rs369673473, ClinGen allele CA6388473.

ClinVar aggregate classification (germline): Benign/Likely benign. Review status: criteria provided, multiple submitters, no conflicts (2 of 4 stars). 5 submissions from 5 submitters: Benign (1); Likely benign (4). Last evaluated 2026-03-05.

Conditions:
CACNA1C-related disorder. Also called: CACNA1C-related disorders; CACNA1C-related condition. Identifiers: MONDO:0700321, MedGen CN381092.
Cardiovascular phenotype. Identifiers: MedGen CN230736.
Long QT syndrome (LQTS). Identifiers: MedGen C0023976, MeSH D008133, MONDO:0002442. Disease mechanism: loss of function. Inheritance: Various modes of inheritance.

Allele frequency attached by ClinVar (database versions not stated): ExAC 0.00014; gnomAD 0.00048 and 0.00044; ESP Exome Variant Server 0.00008; gnomAD exomes 0.00011; TOPMed 0.00042.
gnomAD v4.1: 134 of 1,601,044 alleles (0.0084%); highest among the groups gnomAD compares: African/African-American, 0.12%; no homozygotes.

Submissions (5):

PreventionGenetics, part of Exact Sciences
Classification: Likely benign for CACNA1C-related condition. Last evaluated: 2026-03-05. Review status: criteria provided, single submitter. Criteria: ACMG Guidelines, 2015. Collection method: clinical testing. Allele origin: germline.
Comment: This variant is classified as likely benign based on ACMG/AMP sequence variant interpretation guidelines (Richards et al. 2015 PMID: 25741868, with internal and published modifications).

Labcorp Genetics (formerly Invitae), Labcorp
Classification: Likely benign for Long QT syndrome. Last evaluated: 2026-01-25. Review status: criteria provided, single submitter. Criteria: Invitae Variant Classification Sherloc (09022015). Collection method: clinical testing. Allele origin: germline.

Blueprint Genetics
Classification: Likely benign. Last evaluated: 2024-03-25. Review status: criteria provided, single submitter. Criteria: ACMG Guidelines, 2015. Collection method: clinical testing. Allele origin: germline.

Ambry Genetics
Classification: Likely benign for Cardiovascular phenotype. Last evaluated: 2016-10-26. Review status: criteria provided, single submitter. Criteria: Ambry Variant Classification Scheme 2023. Collection method: clinical testing. Allele origin: germline.

GeneDx
Classification: Benign. Last evaluated: 2015-03-03. Review status: criteria provided, single submitter. Criteria: GeneDx Variant Classification Process June 2021. Collection method: clinical testing. Allele origin: germline. Affected: yes.